The following is an entry in ClinVar:

NM_000540.3(RYR1):c.530G>A (p.Arg177His)

Gene: RYR1 (ryanodine receptor 1; plus strand). Cytogenetic location: 19q13.2.
Variant type: single nucleotide variant.
Coding change: c.530G>A on transcript NM_000540.3 (MANE Select); coding-DNA position 530, G replaced by A.
Protein change: p.Arg177His; replaces arginine 177 with histidine.
Molecular consequence: missense variant.
Genome position (GRCh38, 1-based): chr19:38,444,254, G>A. VCF-style: chr19-38444254-G-A. GRCh37 (hg19) VCF-style: chr19-38934894-G-A.
Other names: c.530G>A, p.Arg177His (NM_001042723.2); short protein forms R177H.
Identifiers: ClinVar variation 2724850 (VCV002724850.5), dbSNP rs750303767, ClinGen allele CA066874.

ClinVar aggregate classification (germline): Conflicting classifications of pathogenicity. Review status: criteria provided, conflicting classifications (1 of 4 stars). 3 submissions from 3 submitters: Likely pathogenic (1); Uncertain significance (2). Last evaluated 2024-02-22.

Conditions:
Malignant hyperthermia, susceptibility to, 1 (MHS1). Also called: Anesthesia related hyperthermia; Malignant hyperpyrexia; Fulminating hyperpyrexia; Pharmacogenic myopathy; Malignant hyperthermia suceptibility 1; RYR1-Related Malignant Hyperthermia Susceptibility. Identifiers: Orphanet 423, MedGen C2930980, MONDO:0007783, OMIM 145600.
RYR1-related disorder. Also called: RYR1-related condition; RYR1-related disorders. Identifiers: MedGen CN239331.

Allele frequency attached by ClinVar (database versions not stated): ExAC 0.00001; gnomAD 0.00001; gnomAD exomes 0.00001; TOPMed 0.00001.
gnomAD v4.1: 13 of 1,612,546 alleles (0.00081%); highest among the groups gnomAD compares: East Asian, 0.0022%; no homozygotes.

Submissions (3):

All of Us Research Program, National Institutes of Health
Classification: Uncertain significance for Malignant hyperthermia, susceptibility to, 1. Last evaluated: 2024-02-22. Review status: criteria provided, single submitter. Criteria: ACMG Guidelines, 2015. Collection method: clinical testing. Allele origin: germline. Inheritance: Autosomal dominant inheritance. Observed: 1 variant allele, 1 heterozygote.
Comment: This missense variant replaces arginine with histidine at codon 177 of the RYR1 protein. Computational prediction suggests that this variant may have deleterious impact on protein structure and function. To our knowledge, functional studies have not been reported for this variant. This variant has not been reported in individuals affected with RYR1-related disorders in the literature. This variant has been identified in 3/250756 chromosomes in the general population by the Genome Aggregation Database (gnomAD). The available evidence is insufficient to determine the role of this variant in disease conclusively. Therefore, this variant is classified as a Variant of Uncertain Significance.

This study involves interpretation of variants in research participants for the purpose of population health screening. Participant phenotype was not available at the time of variant classification. Additional details can be found in publication PMID: 35346344, PMCID: PMC8962531

Color Diagnostics, LLC DBA Color Health
Classification: Uncertain significance for Malignant hyperthermia, susceptibility to, 1. Last evaluated: 2024-02-02. Review status: criteria provided, single submitter. Criteria: ACMG Guidelines, 2015. Collection method: clinical testing. Allele origin: germline.
Comment: This missense variant replaces arginine with histidine at codon 177 of the RYR1 protein. Computational prediction suggests that this variant may have deleterious impact on protein structure and function. To our knowledge, functional studies have not been reported for this variant. This variant has not been reported in individuals affected with RYR1-related disorders in the literature. This variant has been identified in 3/250756 chromosomes in the general population by the Genome Aggregation Database (gnomAD). The available evidence is insufficient to determine the role of this variant in disease conclusively. Therefore, this variant is classified as a Variant of Uncertain Significance.

Labcorp Genetics (formerly Invitae), Labcorp
Classification: Likely pathogenic for RYR1-related disorder. Last evaluated: 2023-09-14. Review status: criteria provided, single submitter. Criteria: Invitae Variant Classification Sherloc (09022015). Collection method: clinical testing. Allele origin: germline.
Comment: In summary, the currently available evidence indicates that the variant is pathogenic, but additional data are needed to prove that conclusively. Therefore, this variant has been classified as Likely Pathogenic. This variant disrupts the p.Arg177 amino acid residue in RYR1. Other variant(s) that disrupt this residue have been determined to be pathogenic (PMID: 16163667, 16835904, 19648156, 21965348, 25658027, 28078069). This suggests that this residue is clinically significant, and that variants that disrupt this residue are likely to be disease-causing. Advanced modeling of protein sequence and biophysical properties (such as structural, functional, and spatial information, amino acid conservation, physicochemical variation, residue mobility, and thermodynamic stability) performed at Invitae indicates that this missense variant is expected to disrupt RYR1 protein function. This variant has not been reported in the literature in individuals affected with RYR1-related conditions. This variant is present in population databases (rs750303767, gnomAD 0.007%). This sequence change replaces arginine, which is basic and polar, with histidine, which is basic and polar, at codon 177 of the RYR1 protein (p.Arg177His).

Literature cited by the submitters: PubMed 16163667 (cited by Labcorp Genetics (formerly Invitae), Labcorp); PubMed 16835904 (cited by Labcorp Genetics (formerly Invitae), Labcorp); PubMed 19648156 (cited by Labcorp Genetics (formerly Invitae), Labcorp); PubMed 21965348 (cited by Labcorp Genetics (formerly Invitae), Labcorp); PubMed 25658027 (cited by Labcorp Genetics (formerly Invitae), Labcorp); PubMed 28078069 (cited by Labcorp Genetics (formerly Invitae), Labcorp).